The following is an entry in ClinVar:

ClinVar aggregate classification (germline): Benign. Review status: criteria provided, multiple submitters, no conflicts (2 of 4 stars). 3 submissions from 3 submitters: Benign (3). Last evaluated 2018-11-12.

Conditions:
Hermansky-Pudlak syndrome 5 (HPS5). Identifiers: Orphanet 231512, Orphanet 79430, MedGen C3888004, MONDO:0013557, OMIM 614074.

Allele frequency attached by ClinVar (database versions not stated): gnomAD exomes 0.31046; TOPMed 0.33598; gnomAD 0.33717 and 0.33793; 1000 Genomes Project 30x 0.35447; 1000 Genomes Project 0.35623.

Submissions (3):

GeneDx
Classification: Benign. Last evaluated: 2018-11-12. Review status: criteria provided, single submitter. Criteria: GeneDx Variant Classification Process June 2021. Collection method: clinical testing. Allele origin: germline. Affected: yes.

Illumina Laboratory Services, Illumina
Classification: Benign for Hermansky-Pudlak syndrome 5. Last evaluated: 2018-01-12. Review status: criteria provided, single submitter. Criteria: ICSL Variant Classification Criteria 13 December 2019. Collection method: clinical testing. Allele origin: germline.
Comment: This variant was observed in the ICSL laboratory as part of a predisposition screen in an ostensibly healthy population. It had not been previously curated by ICSL or reported in the Human Gene Mutation Database (HGMD: prior to June 1st, 2018), and was therefore a candidate for classification through an automated scoring system. Utilizing variant allele frequency, disease prevalence and penetrance estimates, and inheritance mode, an automated score was calculated to assess if this variant is too frequent to cause the disease. Based on the score and internal cut-off values, a variant classified as benign is not then subjected to further curation. The score for this variant resulted in a classification of benign for this disease.

Breakthrough Genomics
Classification: Benign. Review status: criteria provided, single submitter. Criteria: ACMG Guidelines, 2015. Collection method: not provided. Allele origin: germline. Inheritance: Autosomal recessive inheritance. Affected: yes.

NM_181507.2(HPS5):c.*299C>T

Gene: HPS5 (HPS5 biogenesis of lysosomal organelles complex 2 subunit 2; minus strand). Cytogenetic location: 11p15.1.
Variant type: single nucleotide variant.
Coding change: c.*299C>T on transcript NM_181507.2 (MANE Select); 299 bases downstream of the stop codon, C replaced by T.
Molecular consequence: 3 prime UTR variant.
Genome position (GRCh38, 1-based): chr11:18,279,583, G>A on the plus strand (C>T on the coding strand, the complement: HPS5 is on the minus strand). VCF-style: chr11-18279583-G-A. GRCh37 (hg19) VCF-style: chr11-18301130-G-A.
Other names: c.*299C>T (NM_007216.4, NM_181508.2).
Identifiers: ClinVar variation 303862 (VCV000303862.8), dbSNP rs12419588, ClinGen allele CA10638658.